The following is an entry in ClinVar:

NM_002878.4(RAD51D):c.148C>G (p.Leu50Val)

Genes: RAD51D (RAD51 paralog D; minus strand), RAD51L3-RFFL (RAD51L3-RFFL readthrough; minus strand). Cytogenetic location: 17q12.
Variant type: single nucleotide variant.
Coding change: c.148C>G on transcript NM_002878.4 (MANE Select); coding-DNA position 148, C replaced by G.
Protein change: p.Leu50Val; replaces leucine 50 with valine.
Molecular consequence: missense variant. On other transcripts: intron variant (2).
Genome position (GRCh38, 1-based): chr17:35,118,616, G>C on the plus strand (C>G on the coding strand, the complement: RAD51D is on the minus strand). VCF-style: chr17-35118616-G-C. GRCh37 (hg19) VCF-style: chr17-33445635-G-C.
Other names: c.144+495C>G (NM_133629.3, NM_001142571.2); short protein forms L50V.
Identifiers: ClinVar variation 3892249 (VCV003892249.2).
Genomic context (GRCh38, chr17:35,118,616, plus strand): 5'-CAGCGCCATTCACGGGGAAAGCCGAGAACTGAGCCAGCAGCACCCGCCTCAGGGCAACCA[G>C]GGCCTGCCAAAGGGCCCCAGACTGCTCAGCAACAAATTGCCCGTAGAAGCTGGCATCCCA-3'
Protein context (NP_002869.3, residues 40-60): AQKCGLSYKA[Leu50Val]VALRRVLLAQ

ClinVar aggregate classification (germline): Uncertain significance. Review status: criteria provided, multiple submitters, no conflicts (2 of 4 stars). 2 submissions from 2 submitters: Uncertain significance (2). Last evaluated 2025-06-23.

Conditions:
Hereditary cancer-predisposing syndrome. Also called: Tumor predisposition; Neoplastic Syndromes, Hereditary; Hereditary Cancer Syndrome; Hereditary neoplastic syndrome. Identifiers: Orphanet 140162, MedGen C0027672, MeSH D009386, MONDO:0015356.
Breast-ovarian cancer, familial, susceptibility to, 4. Identifiers: Orphanet 145, MedGen C3280345, MONDO:0013669, OMIM 614291.

Submissions (2):

Color Diagnostics, LLC DBA Color Health
Classification: Uncertain significance for Hereditary cancer-predisposing syndrome. Last evaluated: 2025-06-23. Review status: criteria provided, single submitter. Criteria: ACMG Guidelines, 2015. Collection method: clinical testing. Allele origin: germline.
Comment: This missense variant replaces leucine with valine at codon 50 of the RAD51D protein. Computational prediction suggests that this variant may not impact protein structure and function. To our knowledge, functional studies have not been reported for this variant. This variant has not been reported in individuals affected with RAD51D-related disorders in the literature. This variant has not been identified in the general population by the Genome Aggregation Database (gnomAD). The available evidence is insufficient to determine the role of this variant in disease conclusively. Therefore, this variant is classified as a Variant of Uncertain Significance.

Department of Pathology and Laboratory Medicine, Sinai Health System
Classification: Uncertain significance for Breast-ovarian cancer, familial, susceptibility to, 4. Last evaluated: 2024-12-02. Review status: criteria provided, single submitter. Criteria: ACMG Guidelines, 2015. Collection method: clinical testing. Allele origin: germline.